The following is an entry in ClinVar:

NM_173651.4(FSIP2):c.15568T>C (p.Leu5190=)

Gene: FSIP2 (fibrous sheath interacting protein 2; plus strand). Cytogenetic location: 2q32.1.
Variant type: single nucleotide variant.
Coding change: c.15568T>C on transcript NM_173651.4 (MANE Select); coding-DNA position 15568, T replaced by C.
Protein change: p.Leu5190=; no amino-acid change (leucine 5190 retained).
Molecular consequence: synonymous variant.
Genome position (GRCh38, 1-based): chr2:185,804,874, T>C. VCF-style: chr2-185804874-T-C. GRCh37 (hg19) VCF-style: chr2-186669601-T-C.
Other names: c.15568T>C (NM_173651.3).
Identifiers: ClinVar variation 2651753 (VCV002651753.25), dbSNP rs538014217, ClinGen allele CA2017126.

ClinVar aggregate classification (germline): Likely benign. Review status: criteria provided, single submitter (1 of 4 stars). 2 submissions from 2 submitters: Likely benign (1). 1 of the submissions does not count toward it. Last evaluated 2022-10-01.

Conditions:
FSIP2-related disorder. Also called: FSIP2-related condition.

Allele frequency attached by ClinVar (database versions not stated): ExAC 0.00007; gnomAD 0.00017; TOPMed 0.00017.
gnomAD v4.1: 84 of 1,523,100 alleles (0.0055%); highest among the groups gnomAD compares: African/African-American, 0.093%; no homozygotes.

Submissions (2):

CeGaT Center for Human Genetics Tuebingen
Classification: Likely benign. Last evaluated: 2022-10-01. Review status: criteria provided, single submitter. Criteria: CeGaT Center For Human Genetics Tuebingen Variant Classification Criteria Version 2. Collection method: clinical testing. Allele origin: germline. Affected: yes. Observed: 1 variant allele.
Comment: FSIP2: BP4, BP7

PreventionGenetics, part of Exact Sciences
Classification: Likely benign for FSIP2-related condition. Last evaluated: 2019-10-28. Review status: no assertion criteria provided. Collection method: clinical testing. Allele origin: germline. Not counted in ClinVar's aggregate classification.
Comment: This variant is classified as likely benign based on ACMG/AMP sequence variant interpretation guidelines (Richards et al. 2015 PMID: 25741868, with internal and published modifications).